The following is an entry in ClinVar:

NM_000492.4(CFTR):c.3963+1633A>C

Gene: CFTR (CF transmembrane conductance regulator; plus strand). Cytogenetic location: 7q31.2.
Variant type: single nucleotide variant.
Coding change: c.3963+1633A>C on transcript NM_000492.4 (MANE Select); 1633 bases into the intron after coding-DNA position 3963, A replaced by C.
Molecular consequence: intron variant.
Genome position (GRCh38, 1-based): chr7:117,654,564, A>C. VCF-style: chr7-117654564-A-C. GRCh37 (hg19) VCF-style: chr7-117294618-A-C.
Identifiers: ClinVar variation 4280077 (VCV004280077.1).

ClinVar aggregate classification (germline): Uncertain significance (1 of 4 stars; one submission).

Conditions:
Cystic fibrosis (CF). Also called: MUCOVISCIDOSIS. Identifiers: Orphanet 586, MedGen C0010674, MONDO:0009061, OMIM 219700. Disease mechanism: loss of function.

gnomAD v4.1: 5 of 152,042 alleles (0.0033%); highest among the groups gnomAD compares: Non-Finnish European, 0.0074%; no homozygotes.

Submission:

Johns Hopkins Genomics, Johns Hopkins University
Classification: Uncertain significance for Cystic fibrosis. Last evaluated: 2025-04-07. Review status: criteria provided, single submitter. Criteria: ACMG Guidelines, 2015. Collection method: clinical testing. Allele origin: germline.
Comment: The clinical significance of this variant is uncertain (PM2, BP4).